The following is an entry in ClinVar:

NM_017617.5(NOTCH1):c.6788G>A (p.Arg2263Gln)

Gene: NOTCH1 (notch receptor 1; minus strand). Cytogenetic location: 9q34.3.
Variant type: single nucleotide variant.
Coding change: c.6788G>A on transcript NM_017617.5 (MANE Select); coding-DNA position 6788, G replaced by A.
Protein change: p.Arg2263Gln; replaces arginine 2263 with glutamine.
Molecular consequence: missense variant.
Genome position (GRCh38, 1-based): chr9:136,496,951, C>T on the plus strand (G>A on the coding strand, the complement: NOTCH1 is on the minus strand). VCF-style: chr9-136496951-C-T. GRCh37 (hg19) VCF-style: chr9-139391403-C-T.
Other names: c.6788G>A, p.Arg2263Gln (LRG_1122t1); short protein forms R2263Q.
Identifiers: ClinVar variation 134953 (VCV000134953.22), dbSNP rs200521815, ClinGen allele CA161233.

ClinVar aggregate classification (germline): Conflicting classifications of pathogenicity. Review status: criteria provided, conflicting classifications (1 of 4 stars). 10 submissions from 10 submitters: Uncertain significance (2); Benign (1); Likely benign (5). 2 of the submissions do not count toward it. Last evaluated 2026-01-03.

Conditions:
NOTCH1-related disorder. Also called: NOTCH1-related disorders; NOTCH1-related condition.
Adams-Oliver syndrome 5 (AOS5). Identifiers: Orphanet 974, MedGen C4014970, MONDO:0014459, OMIM 616028.
Familial thoracic aortic aneurysm and aortic dissection (TAAD). Also called: Thoracic aortic aneurysms and dissections. Identifiers: Orphanet 91387, MedGen C4707243, MONDO:0019625.
Aortic valve disease 1 (AOVD1). Identifiers: MedGen C3887892, MONDO:0024523, OMIM 109730.

Allele frequency attached by ClinVar (database versions not stated): gnomAD 0.00010 and 0.00015; gnomAD exomes 0.00016 and 0.00037; 1000 Genomes Project 30x 0.00031; TOPMed 0.00034; ExAC 0.00039; 1000 Genomes Project 0.00040.
gnomAD v4.1: 258 of 1,611,184 alleles (0.016%); highest among the groups gnomAD compares: East Asian, 0.5%; 4 homozygotes.

Submissions (10):

Labcorp Genetics (formerly Invitae), Labcorp
Classification: Benign for Adams-Oliver syndrome 5. Last evaluated: 2026-01-03. Review status: criteria provided, single submitter. Criteria: Invitae Variant Classification Sherloc (09022015). Collection method: clinical testing. Allele origin: germline.

Blueprint Genetics
Classification: Likely benign. Last evaluated: 2024-11-15. Review status: criteria provided, single submitter. Criteria: ACMG Guidelines, 2015. Collection method: clinical testing. Allele origin: germline.

Women's Health and Genetics/Laboratory Corporation of America, LabCorp
Classification: Likely benign. Last evaluated: 2024-10-20. Review status: criteria provided, single submitter. Criteria: LabCorp Variant Classification Summary - May 2015. Collection method: clinical testing. Allele origin: germline.

ARUP Laboratories, Molecular Genetics and Genomics, ARUP Laboratories
Classification: Likely benign. Last evaluated: 2023-06-01. Review status: criteria provided, single submitter. Criteria: ARUP Molecular Germline Variant Investigation Process 2024. Collection method: clinical testing. Allele origin: germline.

GeneDx
Classification: Likely benign. Last evaluated: 2020-09-16. Review status: criteria provided, single submitter. Criteria: GeneDx Variant Classification Process June 2021. Collection method: clinical testing. Allele origin: germline. Affected: yes.

Ambry Genetics
Classification: Likely benign for Familial thoracic aortic aneurysm and aortic dissection. Last evaluated: 2020-01-09. Review status: criteria provided, single submitter. Criteria: Ambry Variant Classification Scheme 2023. Collection method: clinical testing. Allele origin: germline.

Baylor Genetics
Classification: Uncertain significance for Aortic valve disease 1. Last evaluated: 2018-05-14. Review status: criteria provided, single submitter. Criteria: ACMG Guidelines, 2015. Collection method: clinical testing. Allele origin: maternal. Affected: yes.
Comment: This variant was determined to be of uncertain significance according to ACMG Guidelines, 2015 [PMID:25741868].

Centre of Medical Genetics, University of Antwerp
Classification: Uncertain significance for Adams-Oliver syndrome 5. Last evaluated: 2017-12-01. Review status: criteria provided, single submitter. Criteria: Criteria for classifying variants, Center of Medical Genetics Antwerp, 2018. Collection method: research. Allele origin: unknown. Affected: yes.

PreventionGenetics, part of Exact Sciences
Classification: Benign for NOTCH1-related condition. Last evaluated: 2019-05-15. Review status: no assertion criteria provided. Collection method: clinical testing. Allele origin: germline. Not counted in ClinVar's aggregate classification.
Comment: This variant is classified as benign based on ACMG/AMP sequence variant interpretation guidelines (Richards et al. 2015 PMID: 25741868, with internal and published modifications).

ITMI
No classification provided. Condition: AllHighlyPenetrant. Last evaluated: 2013-09-19. Review status: no classification provided. Collection method: reference population. Allele origin: germline. Not counted in ClinVar's aggregate classification.
Comment: Please see associated publication for description of ethnicities

Literature cited by the submitters: PubMed 24943832 (cited by Women's Health and Genetics/Laboratory Corporation of America, LabCorp); PubMed 16614245 (cited by Women's Health and Genetics/Laboratory Corporation of America, LabCorp); PubMed 21670202 (cited by Women's Health and Genetics/Laboratory Corporation of America, LabCorp); PubMed 22210878 (cited by Women's Health and Genetics/Laboratory Corporation of America, LabCorp); PubMed 19635999 (cited by Women's Health and Genetics/Laboratory Corporation of America, LabCorp); PubMed 26837699 (cited by Women's Health and Genetics/Laboratory Corporation of America, LabCorp); PubMed 23086750 (cited by Women's Health and Genetics/Laboratory Corporation of America, LabCorp); PubMed 19245433 (cited by Women's Health and Genetics/Laboratory Corporation of America, LabCorp); PubMed 22077063 (cited by Women's Health and Genetics/Laboratory Corporation of America, LabCorp); PubMed 15472075 (cited by Women's Health and Genetics/Laboratory Corporation of America, LabCorp); PubMed 23734977 (cited by Women's Health and Genetics/Laboratory Corporation of America, LabCorp); PubMed 22858860 (cited by Women's Health and Genetics/Laboratory Corporation of America, LabCorp); PubMed 24728327 (cited by Ambry Genetics and ITMI); PubMed 29924900 (cited by Ambry Genetics and Centre of Medical Genetics, University of Antwerp).